The following is an entry in ClinVar:

ClinVar aggregate classification (germline): Conflicting classifications of pathogenicity. Review status: criteria provided, conflicting classifications (1 of 4 stars). 3 submissions from 3 submitters: Uncertain significance (2); Likely benign (1). Last evaluated 2023-03-23.

Conditions:
Hereditary cancer-predisposing syndrome. Also called: Neoplastic Syndromes, Hereditary; Tumor predisposition; Hereditary neoplastic syndrome; Hereditary Cancer Syndrome. Identifiers: Orphanet 140162, MedGen C0027672, MeSH D009386, MONDO:0015356.

Submissions (3):

University of Washington Department of Laboratory Medicine, University of Washington
Classification: Likely benign for Hereditary cancer-predisposing syndrome. Last evaluated: 2023-03-23. Review status: criteria provided, single submitter. Criteria: Dines et al. (Genet Med. 2020). Collection method: curation. Allele origin: germline.
Comment: Missense variant in a coldspot region where missense variants are very unlikely to be pathogenic (PMID:31911673).

BRCA1 coldspot (exon 11 using historical exon numbering). Reclassification based on statistical prior probability

Ambry Genetics
Classification: Uncertain significance for Hereditary cancer-predisposing syndrome. Last evaluated: 2019-05-17. Review status: criteria provided, single submitter. Criteria: Ambry Variant Classification Scheme 2023. Collection method: clinical testing. Allele origin: germline.
Comment: The p.A1279P variant (also known as c.3835G>C), located in coding exon 9 of the BRCA1 gene, results from a G to C substitution at nucleotide position 3835. The alanine at codon 1279 is replaced by proline, an amino acid with highly similar properties. This amino acid position is not well conserved in available vertebrate species. In addition, the in silico prediction for this alteration is inconclusive. Since supporting evidence is limited at this time, the clinical significance of this alteration remains unclear.

Color Diagnostics, LLC DBA Color Health
Classification: Uncertain significance for Hereditary cancer-predisposing syndrome. Last evaluated: 2019-04-08. Review status: criteria provided, single submitter. Criteria: ACMG Guidelines, 2015. Collection method: clinical testing. Allele origin: germline.

NM_007294.4(BRCA1):c.3835G>C (p.Ala1279Pro)

Genes: BRCA1 (BRCA1 DNA repair associated; minus strand), LOC126862571 (BRD4-independent group 4 enhancer GRCh37_chr17:41243136-41244335; plus strand). Cytogenetic location: 17q21.31.
Variant type: single nucleotide variant.
Coding change: c.3835G>C on transcript NM_007294.4 (MANE Select); coding-DNA position 3835, G replaced by C.
Protein change: p.Ala1279Pro; replaces alanine 1279 with proline.
Molecular consequence: missense variant. On other transcripts: intron variant (135).
Genome position (GRCh38, 1-based): chr17:43,091,696, C>G on the plus strand (G>C on the coding strand, the complement: BRCA1 is on the minus strand). VCF-style: chr17-43091696-C-G. GRCh37 (hg19) VCF-style: chr17-41243713-C-G.
Other names: c.3622G>C, p.Ala1208Pro (NM_001407571.1, NM_001407853.1, NM_001407894.1 and 9 more transcripts); c.3835G>C, p.Ala1279Pro (NM_001407581.1, NM_001407582.1, NM_001407583.1 and 30 more transcripts); c.3832G>C, p.Ala1278Pro (NM_001407587.1, NM_001407590.1, NM_001407591.1 and 22 more transcripts); c.3826G>C, p.Ala1276Pro (NM_001407646.1, NM_001407647.1); c.3712G>C, p.Ala1238Pro (NM_001407648.1, NM_001407664.1, NM_001407665.1 and 19 more transcripts); c.3709G>C, p.Ala1237Pro (NM_001407649.1, NM_001407670.1, NM_001407671.1 and 11 more transcripts); c.3757G>C, p.Ala1253Pro (NM_001407653.1, NM_001407654.1, NM_001407655.1 and 4 more transcripts); c.3754G>C, p.Ala1252Pro (NM_001407659.1, NM_001407660.1, NM_001407661.1 and 1 more transcripts); and 41 more; short protein forms A1279P, A1232P, A1152P, A1167P, A1191P, A1211P, A1237P, A1276P.
Identifiers: ClinVar variation 629161 (VCV000629161.10), dbSNP rs80357036, ClinGen allele CA10594296.